The following is an entry in ClinVar:

NM_001013838.3(CARMIL2):c.955C>T (p.Arg319Ter)

Gene: CARMIL2 (capping protein regulator and myosin 1 linker 2; plus strand). Cytogenetic location: 16q22.1.
Variant type: single nucleotide variant.
Coding change: c.955C>T on transcript NM_001013838.3 (MANE Select); coding-DNA position 955, C replaced by T.
Protein change: p.Arg319Ter; replaces arginine 319 with a stop codon.
Molecular consequence: nonsense.
Genome position (GRCh38, 1-based): chr16:67,647,763, C>T. VCF-style: chr16-67647763-C-T. GRCh37 (hg19) VCF-style: chr16-67681666-C-T.
Other names: c.955C>T, p.Arg319Ter (NM_001317026.3); short protein forms R319*.
Identifiers: ClinVar variation 2879296 (VCV002879296.3), dbSNP rs1210887840, ClinGen allele CA396333820.

ClinVar aggregate classification (germline): Pathogenic (1 of 4 stars; one submission).

Allele frequency attached by ClinVar (database versions not stated): TOPMed below 0.00001.
gnomAD v4.1: 5 of 1,488,756 alleles (0.00034%); highest among the groups gnomAD compares: South Asian, 0.0012%; no homozygotes.

Submission:

Labcorp Genetics (formerly Invitae), Labcorp
Classification: Pathogenic. Last evaluated: 2023-10-17. Review status: criteria provided, single submitter. Criteria: Invitae Variant Classification Sherloc (09022015). Collection method: clinical testing. Allele origin: germline.
Comment: This sequence change creates a premature translational stop signal (p.Arg319*) in the CARMIL2 gene. It is expected to result in an absent or disrupted protein product. Loss-of-function variants in CARMIL2 are known to be pathogenic (PMID: 27647349, 28112205). This variant is not present in population databases (gnomAD no frequency). This variant has not been reported in the literature in individuals affected with CARMIL2-related conditions. For these reasons, this variant has been classified as Pathogenic.

Literature cited by the submitters: PubMed 27647349; PubMed 28112205.